The following is an entry in ClinVar:

ClinVar aggregate classification (germline): Uncertain significance (1 of 4 stars; one submission).

Submission:

Labcorp Genetics (formerly Invitae), Labcorp
Classification: Uncertain significance. Last evaluated: 2023-03-17. Review status: criteria provided, single submitter. Criteria: Invitae Variant Classification Sherloc (09022015). Collection method: clinical testing. Allele origin: unknown.
Comment: In summary, the available evidence is currently insufficient to determine the role of this variant in disease. Therefore, it has been classified as a Variant of Uncertain Significance. Experimental studies and prediction algorithms are not available or were not evaluated, and the functional significance of this variant is currently unknown. This variant has not been reported in the literature in individuals affected with KAT6A-related conditions. This variant results in a copy number gain of the genomic region encompassing exon(s) 3-17 of the KAT6A gene. This region includes the termination codon of the gene. This copy number gain extends beyond the assayed region for this gene and therefore may encompass additional genes. As the precise location of this event is unknown, it may be in tandem or it may be located elsewhere in the genome.

NC_000008.10:g.(?_41518984)_(41845101_?)dup

Genes: ANK1 (ankyrin 1; minus strand), KAT6A (lysine acetyltransferase 6A; minus strand). Cytogenetic location: 8p11.21.
Variant type: Duplication.
Identifiers: ClinVar variation 3245575 (VCV003245575.1).